The following is an entry in ClinVar:

NM_024675.4(PALB2):c.2303G>C (p.Cys768Ser)

Gene: PALB2 (partner and localizer of BRCA2; minus strand). Cytogenetic location: 16p12.2.
Variant type: single nucleotide variant.
Coding change: c.2303G>C on transcript NM_024675.4 (MANE Select); coding-DNA position 2303, G replaced by C.
Protein change: p.Cys768Ser; replaces cysteine 768 with serine.
Molecular consequence: missense variant.
Genome position (GRCh38, 1-based): chr16:23,629,851, C>G on the plus strand (G>C on the coding strand, the complement: PALB2 is on the minus strand). VCF-style: chr16-23629851-C-G. GRCh37 (hg19) VCF-style: chr16-23641172-C-G.
Other names: short protein forms C768S.
Identifiers: ClinVar variation 410160 (VCV000410160.17), dbSNP rs1060502770, ClinGen allele CA16615091.

ClinVar aggregate classification (germline): Conflicting classifications of pathogenicity. Review status: criteria provided, conflicting classifications (1 of 4 stars). 3 submissions from 3 submitters: Uncertain significance (2); Likely benign (1). Last evaluated 2024-10-22.

Conditions:
Familial cancer of breast. Also called: BREAST CANCER, FAMILIAL; Hereditary breast cancer; hereditary breast carcinoma. Identifiers: Orphanet 227535, MedGen C0346153, MONDO:0016419, OMIM 114480. Disease mechanism: loss of function.
Hereditary cancer-predisposing syndrome. Also called: Tumor predisposition; Hereditary Cancer Syndrome; Hereditary neoplastic syndrome; Neoplastic Syndromes, Hereditary. Identifiers: Orphanet 140162, MedGen C0027672, MeSH D009386, MONDO:0015356.

Submissions (3):

Labcorp Genetics (formerly Invitae), Labcorp
Classification: Uncertain significance for Familial cancer of breast. Last evaluated: 2024-10-22. Review status: criteria provided, single submitter. Criteria: Invitae Variant Classification Sherloc (09022015). Collection method: clinical testing. Allele origin: germline.
Comment: This sequence change replaces cysteine, which is neutral and slightly polar, with serine, which is neutral and polar, at codon 768 of the PALB2 protein (p.Cys768Ser). This variant is not present in population databases (gnomAD no frequency). This variant has not been reported in the literature in individuals affected with PALB2-related conditions. ClinVar contains an entry for this variant (Variation ID: 410160). Invitae Evidence Modeling of protein sequence and biophysical properties (such as structural, functional, and spatial information, amino acid conservation, physicochemical variation, residue mobility, and thermodynamic stability) indicates that this missense variant is not expected to disrupt PALB2 protein function with a negative predictive value of 80%. In summary, the available evidence is currently insufficient to determine the role of this variant in disease. Therefore, it has been classified as a Variant of Uncertain Significance.

Color Diagnostics, LLC DBA Color Health
Classification: Uncertain significance for Hereditary cancer-predisposing syndrome. Last evaluated: 2024-03-06. Review status: criteria provided, single submitter. Criteria: ACMG Guidelines, 2015. Collection method: clinical testing. Allele origin: germline.
Comment: This missense variant replaces cysteine with serine at codon 768 of the PALB2 protein. Computational prediction suggests that this variant may not impact protein structure and function (internally defined REVEL score threshold <= 0.5, PMID: 27666373). To our knowledge, functional studies have not been reported for this variant. This variant has not been reported in individuals affected with hereditary cancer in the literature. This variant has not been identified in the general population by the Genome Aggregation Database (gnomAD). The available evidence is insufficient to determine the role of this variant in disease conclusively. Therefore, this variant is classified as a Variant of Uncertain Significance.

Ambry Genetics
Classification: Likely benign for Hereditary cancer-predisposing syndrome. Last evaluated: 2018-09-19. Review status: criteria provided, single submitter. Criteria: Ambry Variant Classification Scheme 2023. Collection method: clinical testing. Allele origin: germline.